The following is an entry in ClinVar:

ClinVar aggregate classification (germline): Uncertain significance. Review status: criteria provided, multiple submitters, no conflicts (2 of 4 stars). 2 submissions from 2 submitters: Uncertain significance (2). Last evaluated 2024-10-18.

Conditions:
Ehlers-Danlos syndrome, type 4 (EDSVASC). Also called: Ehlers-Danlos syndrome vascular type; Ehlers Danlos syndrome, ecchymotic type; Ehlers Danlos syndrome, arterial type; Ehlers Danlos syndrome, Sack-Barabas type; Ehlers-Danlos Syndrome Type IV. Identifiers: Orphanet 286, MedGen C0268338, MONDO:0017314, OMIM 130050.

Allele frequency attached by ClinVar (database versions not stated): TOPMed below 0.00001.

Submissions (2):

Labcorp Genetics (formerly Invitae), Labcorp
Classification: Uncertain significance for Ehlers-Danlos syndrome, type 4. Last evaluated: 2024-10-18. Review status: criteria provided, single submitter. Criteria: Invitae Variant Classification Sherloc (09022015). Collection method: clinical testing. Allele origin: germline.
Comment: This sequence change replaces phenylalanine, which is neutral and non-polar, with leucine, which is neutral and non-polar, at codon 343 of the COL3A1 protein (p.Phe343Leu). This variant is not present in population databases (gnomAD no frequency). This variant has not been reported in the literature in individuals affected with COL3A1-related conditions. ClinVar contains an entry for this variant (Variation ID: 1051499). Invitae Evidence Modeling of protein sequence and biophysical properties (such as structural, functional, and spatial information, amino acid conservation, physicochemical variation, residue mobility, and thermodynamic stability) indicates that this missense variant is not expected to disrupt COL3A1 protein function with a negative predictive value of 95%. In summary, the available evidence is currently insufficient to determine the role of this variant in disease. Therefore, it has been classified as a Variant of Uncertain Significance.

All of Us Research Program, National Institutes of Health
Classification: Uncertain significance for Ehlers-Danlos syndrome, type 4. Last evaluated: 2024-05-14. Review status: criteria provided, single submitter. Criteria: ACMG Guidelines, 2015. Collection method: clinical testing. Allele origin: germline. Inheritance: Autosomal dominant inheritance. Observed: 1 variant allele, 1 heterozygote.
Comment: This missense variant replaces phenylalanine with leucine at codon 343 of the COL3A1 protein. Computational prediction is inconclusive regarding the impact of this variant on protein structure and function (internally defined REVEL score threshold 0.5 < inconclusive < 0.7, PMID: 27666373). To our knowledge, functional studies have not been reported for this variant. This variant has not been reported in individuals affected with COL3A1-related disorders in the literature. This variant has not been identified in the general population by the Genome Aggregation Database (gnomAD). The available evidence is insufficient to determine the role of this variant in disease conclusively. Therefore, this variant is classified as a Variant of Uncertain Significance.

This study involves interpretation of variants in research participants for the purpose of population health screening. Participant phenotype was not available at the time of variant classification. Additional details can be found in publication PMID: 35346344, PMCID: PMC8962531

NM_000090.4(COL3A1):c.1029C>G (p.Phe343Leu)

Gene: COL3A1 (collagen type III alpha 1 chain; plus strand). Cytogenetic location: 2q32.2.
Variant type: single nucleotide variant.
Coding change: c.1029C>G on transcript NM_000090.4 (MANE Select); coding-DNA position 1029, C replaced by G.
Protein change: p.Phe343Leu; replaces phenylalanine 343 with leucine.
Molecular consequence: missense variant.
Genome position (GRCh38, 1-based): chr2:188,992,919, C>G. VCF-style: chr2-188992919-C-G. GRCh37 (hg19) VCF-style: chr2-189857645-C-G.
Other names: short protein forms F343L.
Identifiers: ClinVar variation 1051499 (VCV001051499.10), dbSNP rs1688218053, ClinGen allele CA349850651.
Genomic context (GRCh38, chr2:188,992,919, plus strand): 5'-CTCTTGAAATTGTATTTAATTTTTTCAGGGCCCTCCTGGTCCTCCTGGAACTGCCGGATT[C>G]CCTGGATCCCCTGGTGCTAAGGTAAACATGTGTTTCTATAGAAGGGTATAAAAATATCTT-3'
Protein context (NP_000081.2, residues 333-353): GPPGPPGTAG[Phe343Leu]PGSPGAKGEV